The following is an entry in ClinVar:

NM_000071.3(CBS):c.987G>C (p.Glu329Asp)

Gene: CBS (cystathionine beta-synthase; minus strand). Cytogenetic location: 21q22.3.
Variant type: single nucleotide variant.
Coding change: c.987G>C on transcript NM_000071.3 (MANE Select); coding-DNA position 987, G replaced by C.
Protein change: p.Glu329Asp; replaces glutamic acid 329 with aspartic acid.
Molecular consequence: missense variant.
Genome position (GRCh38, 1-based): chr21:43,062,363, C>G on the plus strand (G>C on the coding strand, the complement: CBS is on the minus strand). VCF-style: chr21-43062363-C-G. GRCh37 (hg19) VCF-style: chr21-44482473-C-G.
Other names: c.987G>C, p.Glu329Asp (NM_001320298.2, NM_001178008.3, NM_001178009.3); c.672G>C, p.Glu224Asp (NM_001321072.1); short protein forms E329D, E224D.
Identifiers: ClinVar variation 1507865 (VCV001507865.5), dbSNP rs765151853, ClinGen allele CA321090571.

ClinVar aggregate classification (germline): Uncertain significance (1 of 4 stars; one submission).

Conditions:
HYPERHOMOCYSTEINEMIA, THROMBOTIC, CBS-RELATED. Identifiers: MedGen C3150344, OMIM 236200.

Allele frequency attached by ClinVar (database versions not stated): gnomAD exomes below 0.00001; ExAC 0.00001.

Submission:

Labcorp Genetics (formerly Invitae), Labcorp
Classification: Uncertain significance for HYPERHOMOCYSTEINEMIA, THROMBOTIC, CBS-RELATED. Last evaluated: 2021-11-23. Review status: criteria provided, single submitter. Criteria: Invitae Variant Classification Sherloc (09022015). Collection method: clinical testing. Allele origin: germline.
Comment: In summary, the available evidence is currently insufficient to determine the role of this variant in disease. Therefore, it has been classified as a Variant of Uncertain Significance. Algorithms developed to predict the effect of missense changes on protein structure and function (SIFT, PolyPhen-2, Align-GVGD) all suggest that this variant is likely to be tolerated. This variant has not been reported in the literature in individuals affected with CBS-related conditions. This variant is present in population databases (rs765151853, gnomAD 0.0009%). This sequence change replaces glutamic acid, which is acidic and polar, with aspartic acid, which is acidic and polar, at codon 329 of the CBS protein (p.Glu329Asp).